The following is an entry in ClinVar:

ClinVar aggregate classification (germline): Uncertain significance. Review status: criteria provided, multiple submitters, no conflicts (2 of 4 stars). 2 submissions from 2 submitters: Uncertain significance (2). Last evaluated 2025-08-07.

Submissions (2):

GeneDx
Classification: Uncertain significance. Last evaluated: 2025-08-07. Review status: criteria provided, single submitter. Criteria: GeneDx Variant Classification Process June 2021. Collection method: clinical testing. Allele origin: germline. Affected: yes.
Comment: Not observed at significant frequency in large population cohorts (gnomAD); In silico analysis supports that this missense variant has a deleterious effect on protein structure/function; Has not been previously published as pathogenic or benign to our knowledge

Blueprint Genetics
Classification: Uncertain significance. Last evaluated: 2021-12-14. Review status: criteria provided, single submitter. Criteria: ACMG Guidelines, 2015. Collection method: clinical testing. Allele origin: germline.

NM_001278293.3(ARL6):c.517G>T (p.Gly173Cys)

Gene: ARL6 (ARF like GTPase 6; plus strand). Cytogenetic location: 3q11.2.
Variant type: single nucleotide variant.
Coding change: c.517G>T on transcript NM_001278293.3 (MANE Select); coding-DNA position 517, G replaced by T.
Protein change: p.Gly173Cys; replaces glycine 173 with cysteine.
Molecular consequence: missense variant. On other transcripts: non-coding transcript variant (6), intron variant (1).
Genome position (GRCh38, 1-based): chr3:97,791,808, G>T. VCF-style: chr3-97791808-G-T. GRCh37 (hg19) VCF-style: chr3-97510652-G-T.
Other names: c.517G>T, p.Gly173Cys (NM_001323513.2, NM_032146.5, NM_177976.3); c.479+3689G>T (NM_001323514.2); short protein forms G173C.
Identifiers: ClinVar variation 4755628 (VCV004755628.2).
Genomic context (GRCh38, chr3:97,791,808, plus strand): 5'-GTTTCTTATGGATTTCATTTCAGTGCTAGTGATGCCATAAAAGGAGAAGGCTTGCAAGAA[G>T]GTGTAGACTGGCTTCAAGGTACATTACAAAATACTGTGTGTCTTCAGCCTTTGTTTCCTT-3'
Protein context (NP_001265222.1, residues 163-183): DAIKGEGLQE[Gly173Cys]VDWLQDQIQT